The following is an entry in ClinVar:

NM_001384474.1(LOXHD1):c.1883G>A (p.Gly628Asp)

Gene: LOXHD1 (lipoxygenase homology PLAT domains 1; minus strand). Cytogenetic location: 18q21.1.
Variant type: single nucleotide variant.
Coding change: c.1883G>A on transcript NM_001384474.1 (MANE Select); coding-DNA position 1883, G replaced by A.
Protein change: p.Gly628Asp; replaces glycine 628 with aspartic acid.
Molecular consequence: missense variant.
Genome position (GRCh38, 1-based): chr18:46,577,794, C>T on the plus strand (G>A on the coding strand, the complement: LOXHD1 is on the minus strand). VCF-style: chr18-46577794-C-T. GRCh37 (hg19) VCF-style: chr18-44157757-C-T.
Other names: c.1883G>A, p.Gly628Asp (NM_144612.7); short protein forms G628D.
Identifiers: ClinVar variation 891600 (VCV000891600.6), dbSNP rs138530758, ClinGen allele CA8952742.
Genomic context (GRCh38, chr18:46,577,794, plus strand): 5'-CTCTCAGGCTGCCCCTCCTCTCTCACCAGCACTCTGTCCAGGTACCAGCCGCTGCCGGAG[C>T]CTTTGCCATCGTGTCTGATCCTCACCCGCCTCACATTCCGCATGGTGACAGACTCGATAG-3'
Protein context (NP_001371403.1, residues 618-638): RRVRIRHDGK[Gly628Asp]SGSGWYLDRV

ClinVar aggregate classification (germline): Uncertain significance. Review status: criteria provided, multiple submitters, no conflicts (2 of 4 stars). 2 submissions from 2 submitters: Uncertain significance (2). Last evaluated 2024-12-09.

Conditions:
Autosomal recessive nonsyndromic hearing loss 77. Identifiers: Orphanet 90636, MedGen C2746083, MONDO:0013119, OMIM 613079.

Allele frequency attached by ClinVar (database versions not stated): gnomAD 0.00004; TOPMed 0.00006; 1000 Genomes Project 0.00040; 1000 Genomes Project 30x 0.00047.
gnomAD v4.1: 500 of 1,551,662 alleles (0.032%); highest among the groups gnomAD compares: East Asian, 1.2%; 4 homozygotes.

Submissions (2):

Labcorp Genetics (formerly Invitae), Labcorp
Classification: Uncertain significance. Last evaluated: 2024-12-09. Review status: criteria provided, single submitter. Criteria: Invitae Variant Classification Sherloc (09022015). Collection method: clinical testing. Allele origin: germline.
Comment: This sequence change replaces glycine, which is neutral and non-polar, with aspartic acid, which is acidic and polar, at codon 628 of the LOXHD1 protein (p.Gly628Asp). This variant is present in population databases (rs138530758, gnomAD 0.1%). This variant has not been reported in the literature in individuals affected with LOXHD1-related conditions. ClinVar contains an entry for this variant (Variation ID: 891600). An algorithm developed to predict the effect of missense changes on protein structure and function (PolyPhen-2) suggests that this variant¬†is likely to be tolerated. In summary, the available evidence is currently insufficient to determine the role of this variant in disease. Therefore, it has been classified as a Variant of Uncertain Significance.

Illumina Laboratory Services, Illumina
Classification: Uncertain significance for Autosomal recessive nonsyndromic hearing loss 77. Last evaluated: 2017-04-30. Review status: criteria provided, single submitter. Criteria: ICSL Variant Classification Criteria 13 December 2019. Collection method: clinical testing. Allele origin: germline.
Comment: This variant was observed as part of a predisposition screen in an ostensibly healthy population. A literature search was performed for the gene, cDNA change, and amino acid change (where applicable). Publications were found based on this search. However, the evidence from the literature, in combination with allele frequency data from public databases where available, was not sufficient to rule this variant in or out of causing disease. Therefore, this variant is classified as a variant of unknown significance.

Literature cited by the submitters: PubMed 26346818 (cited by Illumina Laboratory Services, Illumina).